The following is an entry in ClinVar:

ClinVar aggregate classification (germline): Uncertain significance (1 of 4 stars; one submission).

Submission:

Labcorp Genetics (formerly Invitae), Labcorp
Classification: Uncertain significance. Last evaluated: 2022-06-20. Review status: criteria provided, single submitter. Criteria: Invitae Variant Classification Sherloc (09022015). Collection method: clinical testing. Allele origin: germline.
Comment: In summary, the available evidence is currently insufficient to determine the role of this variant in disease. Therefore, it has been classified as a Variant of Uncertain Significance. This sequence change creates a premature translational stop signal (p.Leu55Serfs*11) in the PIGP gene. It is expected to result in an absent or disrupted protein product. However, the current clinical and genetic evidence is not sufficient to establish whether loss-of-function variants in PIGP cause disease. This variant is not present in population databases (gnomAD no frequency). This variant has not been reported in the literature in individuals affected with PIGP-related conditions.

NM_153682.3(PIGP):c.91del (p.Leu31fs)

Gene: PIGP (phosphatidylinositol glycan anchor biosynthesis class P; minus strand). Cytogenetic location: 21q22.13.
Variant type: Deletion.
Coding change: c.91del on transcript NM_153682.3 (MANE Select); coding-DNA position 91, one base deleted (C; older notation c.91delC).
Protein change: p.Leu31fs; shifts the reading frame from leucine 31.
Molecular consequence: frameshift variant.
Genome position (GRCh38, 1-based): chr21:37,069,616, G deleted on the plus strand (C on the coding strand, the reverse complement: PIGP is on the minus strand); the first of 2 consecutive G bases (chr21:37,069,616-37,069,617); deleting either gives the same sequence. VCF-style (leftmost placement, unchanged base first): chr21-37069615-AG-A. GRCh37 (hg19) VCF-style: chr21-38441915-AG-A.
Other names: c.91del, p.Leu31fs (NM_001320480.2); c.13del, p.Leu5fs (NM_016430.4); c.163del, p.Leu55fs (NM_153681.2); short protein forms L31fs, L55fs, L5fs.
Identifiers: ClinVar variation 1475849 (VCV001475849.6), dbSNP rs2146809214, ClinGen allele CA2573157408.